The following is an entry in ClinVar:

ClinVar aggregate classification (germline): Pathogenic/Likely pathogenic. Review status: criteria provided, multiple submitters, no conflicts (2 of 4 stars). 2 submissions from 2 submitters: Pathogenic (1); Likely pathogenic (1). Last evaluated 2025-12-08.

Conditions:
CEP83-related disorder. Also called: CEP83-related condition.
Nephronophthisis 18 (NPHP18). Identifiers: Orphanet 655, MedGen C3890591, MONDO:0014374, OMIM 615862.

Allele frequency attached by ClinVar (database versions not stated): gnomAD exomes below 0.00001; TOPMed below 0.00001; gnomAD 0.00001 and 0.00002.
gnomAD v4.1: 6 of 1,612,966 alleles (0.00037%); highest among the groups gnomAD compares: East Asian, 0.0022%; no homozygotes.

Submissions (2):

Labcorp Genetics (formerly Invitae), Labcorp
Classification: Pathogenic for Nephronophthisis 18. Last evaluated: 2025-12-08. Review status: criteria provided, single submitter. Criteria: Invitae Variant Classification Sherloc (09022015). Collection method: clinical testing. Allele origin: germline.
Comment: This sequence change creates a premature translational stop signal (p.Arg511*) in the CEP83 gene. It is expected to result in an absent or disrupted protein product. Loss-of-function variants in CEP83 are known to be pathogenic (PMID: 23530209, 24882706). This variant is present in population databases (no rsID available, gnomAD 0.006%). This variant has not been reported in the literature in individuals affected with CEP83-related conditions. ClinVar contains an entry for this variant (Variation ID: 1354313). Algorithms developed to predict the effect of sequence changes on RNA splicing suggest that this variant may disrupt the consensus splice site. For these reasons, this variant has been classified as Pathogenic.

Blueprint Genetics
Classification: Likely pathogenic for CEP83-related disorders. Last evaluated: 2023-12-15. Review status: criteria provided, single submitter. Criteria: ACMG Guidelines, 2015. Collection method: clinical testing. Allele origin: germline. Affected: yes. Observed: 1 variant allele.

Literature cited by the submitters: PubMed 23530209 (cited by Labcorp Genetics (formerly Invitae), Labcorp); PubMed 24882706 (cited by Labcorp Genetics (formerly Invitae), Labcorp).

NM_016122.3(CEP83):c.1531C>T (p.Arg511Ter)

Gene: CEP83 (centrosomal protein 83; minus strand). Cytogenetic location: 12q22.
Variant type: single nucleotide variant.
Coding change: c.1531C>T on transcript NM_016122.3 (MANE Select); coding-DNA position 1531, C replaced by T.
Protein change: p.Arg511Ter; replaces arginine 511 with a stop codon.
Molecular consequence: nonsense. On other transcripts: non-coding transcript variant (2).
Genome position (GRCh38, 1-based): chr12:94,333,528, G>A on the plus strand (C>T on the coding strand, the complement: CEP83 is on the minus strand). VCF-style: chr12-94333528-G-A. GRCh37 (hg19) VCF-style: chr12-94727304-G-A.
Other names: c.1531C>T, p.Arg511Ter (NM_001042399.2, NM_001346457.2, NM_001368037.1 and 1 more transcripts); c.1219C>T, p.Arg407Ter (NM_001346458.2, NM_001346459.2, NM_001368039.1 and 1 more transcripts); c.1306C>T, p.Arg436Ter (NM_001368041.1); short protein forms R436*, R407*, R511*.
Identifiers: ClinVar variation 1354313 (VCV001354313.7), dbSNP rs1162641847, ClinGen allele CA386144112.